The following is an entry in ClinVar:

NM_002382.5(MAX):c.36+1del

Genes: MAX (MYC associated transcriptional regulator X; minus strand), LOC130055850 (ATAC-STARR-seq lymphoblastoid silent region 5847; plus strand). Cytogenetic location: 14q23.3.
Variant type: Deletion.
Coding change: c.36+1del on transcript NM_002382.5 (MANE Select); the canonical splice donor site of the intron after coding-DNA position 36, one base deleted (G; older notation c.36+1delG).
Molecular consequence: splice donor variant. On other transcripts: intron variant (2).
Genome position (GRCh38, 1-based): chr14:65,102,303, C deleted on the plus strand (G on the coding strand, the reverse complement: MAX is on the minus strand). VCF-style (leftmost placement, unchanged base first): chr14-65102302-AC-A. GRCh37 (hg19) VCF-style: chr14-65569020-AC-A.
Other names: c.36+1del (NM_001271069.2, NM_197957.4, NM_001407095.1 and 18 more transcripts); c.-305+206del (NM_001407112.1); c.-239+206del (NM_001407106.1); c.-212+1del (NM_001407107.1); c.-239+1del (NM_001320415.2).
Identifiers: ClinVar variation 4719823 (VCV004719823.1).

ClinVar aggregate classification (germline): Likely pathogenic (1 of 4 stars; one submission).

Conditions:
Hereditary pheochromocytoma and paraganglioma. Also called: Hereditary pheochromocytoma-paraganglioma; Hereditary Paraganglioma-Pheochromocytoma Syndromes; Hereditary paragangliomas and pheochromocytomas. Identifiers: Orphanet 29072, MedGen C4274332, MONDO:0017366.

Submission:

Labcorp Genetics (formerly Invitae), Labcorp
Classification: Likely pathogenic for Hereditary pheochromocytoma and paraganglioma. Last evaluated: 2025-05-19. Review status: criteria provided, single submitter. Criteria: Invitae Variant Classification Sherloc (09022015). Collection method: clinical testing. Allele origin: germline.
Comment: This sequence change affects a splice site in intron 1 of the MAX gene. It is expected to disrupt RNA splicing. Variants that disrupt the donor or acceptor splice site typically lead to a loss of protein function (PMID: 16199547), and loss-of-function variants in MAX are known to be pathogenic (PMID: 21685915, 26070438). This variant is not present in population databases (gnomAD no frequency). This variant has not been reported in the literature in individuals affected with MAX-related conditions. Algorithms developed to predict the effect of sequence changes on RNA splicing suggest that this variant may disrupt the consensus splice site. In summary, the currently available evidence indicates that the variant is pathogenic, but additional data are needed to prove that conclusively. Therefore, this variant has been classified as Likely Pathogenic.

Literature cited by the submitters: PubMed 16199547; PubMed 21685915; PubMed 26070438.